The following is an entry in ClinVar:

ClinVar aggregate classification (germline): Uncertain significance. Review status: criteria provided, multiple submitters, no conflicts (2 of 4 stars). 2 submissions from 2 submitters: Uncertain significance (2). Last evaluated 2025-05-01.

Conditions:
PLOD3-related disorder. Also called: PLOD3-related condition.

Allele frequency attached by ClinVar (database versions not stated): 1000 Genomes Project 30x 0.00031; TOPMed 0.00033; 1000 Genomes Project 0.00040; ESP Exome Variant Server 0.00054; gnomAD exomes 0.00008; ExAC 0.00010.

Submissions (2):

PreventionGenetics, part of Exact Sciences
Classification: Uncertain significance for PLOD3-related condition. Last evaluated: 2025-05-01. Review status: criteria provided, single submitter. Criteria: ACMG Guidelines, 2015. Collection method: clinical testing. Allele origin: germline.
Comment: The PLOD3 c.1030G>A variant is predicted to result in the amino acid substitution p.Ala344Thr. To our knowledge, this variant has not been reported in the literature. This variant is reported in 0.068% of alleles in individuals of African descent in gnomAD. Although we suspect that this variant may be benign, at this time, the clinical significance of this variant is uncertain due to the absence of conclusive functional and genetic evidence.

Labcorp Genetics (formerly Invitae), Labcorp
Classification: Uncertain significance. Last evaluated: 2022-08-19. Review status: criteria provided, single submitter. Criteria: Invitae Variant Classification Sherloc (09022015). Collection method: clinical testing. Allele origin: germline.
Comment: This sequence change replaces alanine, which is neutral and non-polar, with threonine, which is neutral and polar, at codon 344 of the PLOD3 protein (p.Ala344Thr). This variant is present in population databases (rs145247929, gnomAD 0.07%). This variant has not been reported in the literature in individuals affected with PLOD3-related conditions. ClinVar contains an entry for this variant (Variation ID: 1517907). Algorithms developed to predict the effect of missense changes on protein structure and function (SIFT, PolyPhen-2, Align-GVGD) all suggest that this variant is likely to be tolerated. In summary, the available evidence is currently insufficient to determine the role of this variant in disease. Therefore, it has been classified as a Variant of Uncertain Significance.

NM_001084.5(PLOD3):c.1030G>A (p.Ala344Thr)

Gene: PLOD3 (procollagen-lysine,2-oxoglutarate 5-dioxygenase 3; minus strand). Cytogenetic location: 7q22.1.
Variant type: single nucleotide variant.
Coding change: c.1030G>A on transcript NM_001084.5 (MANE Select); coding-DNA position 1030, G replaced by A.
Protein change: p.Ala344Thr; replaces alanine 344 with threonine.
Molecular consequence: missense variant.
Genome position (GRCh38, 1-based): chr7:101,212,350, C>T on the plus strand (G>A on the coding strand, the complement: PLOD3 is on the minus strand). VCF-style: chr7-101212350-C-T. GRCh37 (hg19) VCF-style: chr7-100855631-C-T.
Other names: c.1030G>A (NM_001084.4); short protein forms A344T.
Identifiers: ClinVar variation 1517907 (VCV001517907.6), dbSNP rs145247929, ClinGen allele CA4407873.
Genomic context (GRCh38, chr7:101,212,350, plus strand): 5'-CCTCCGGCCCCACGAGCTTCACAGCTGAGAAGTGGTCCTGGAGCTGCGGCCAGGAGTCAG[C>T]GATGTGGGGTTCATGGAAGACCTCCTGGGAGGGGAAGACATAGGGGGATGGGCTCAGAGG-3'
Protein context (NP_001075.1, residues 334-354): NNEVFHEPHI[Ala344Thr]DSWPQLQDHF